The following is an entry in ClinVar:

ClinVar aggregate classification (germline): Uncertain significance (1 of 4 stars; one submission).

Conditions:
Inborn genetic diseases. Identifiers: MedGen C0950123, MeSH D030342.

gnomAD v4.1: 1 of 1,614,130 alleles (0.000062%); highest among the groups gnomAD compares: Non-Finnish European, 0.000085%; no homozygotes.

Submission:

Ambry Genetics
Classification: Uncertain significance for Inborn genetic diseases. Last evaluated: 2025-04-11. Review status: criteria provided, single submitter. Criteria: Ambry Variant Classification Scheme 2023. Collection method: clinical testing. Allele origin: germline.
Comment: The p.R983W variant (also known as c.2947C>T), located in coding exon 13 of the BMPR2 gene, results from a C to T substitution at nucleotide position 2947. The arginine at codon 983 is replaced by tryptophan, an amino acid with dissimilar properties. This amino acid position is conserved. In addition, the in silico prediction for this alteration is inconclusive. Based on the available evidence, the clinical significance of this variant remains unclear.

NM_001204.7(BMPR2):c.2947C>T (p.Arg983Trp)

Gene: BMPR2 (bone morphogenetic protein receptor type 2; plus strand). Cytogenetic location: 2q33.2.
Variant type: single nucleotide variant.
Coding change: c.2947C>T on transcript NM_001204.7 (MANE Select); coding-DNA position 2947, C replaced by T.
Protein change: p.Arg983Trp; replaces arginine 983 with tryptophan.
Molecular consequence: missense variant.
Genome position (GRCh38, 1-based): chr2:202,559,776, C>T. VCF-style: chr2-202559776-C-T. GRCh37 (hg19) VCF-style: chr2-203424499-C-T.
Other names: short protein forms R983W.
Identifiers: ClinVar variation 3992115 (VCV003992115.1).